The following is an entry in ClinVar:

NM_000321.3(RB1):c.1961-15T>C

Gene: RB1 (RB transcriptional corepressor 1; plus strand). Cytogenetic location: 13q14.2.
Variant type: single nucleotide variant.
Coding change: c.1961-15T>C on transcript NM_000321.3 (MANE Select); 15 bases into the intron before coding-DNA position 1961, T replaced by C.
Molecular consequence: intron variant.
Genome position (GRCh38, 1-based): chr13:48,459,673, T>C. VCF-style: chr13-48459673-T-C. GRCh37 (hg19) VCF-style: chr13-49033809-T-C.
Identifiers: ClinVar variation 1621297 (VCV001621297.9), dbSNP rs746388709, ClinGen allele CA033251.

ClinVar aggregate classification (germline): Likely benign. Review status: criteria provided, multiple submitters, no conflicts (2 of 4 stars). 2 submissions from 2 submitters: Likely benign (2). Last evaluated 2026-06-22.

Conditions:
Retinoblastoma (RB1). Also called: RETINOBLASTOMA, SOMATIC. Identifiers: Orphanet 790, MedGen C0035335, MeSH D012175, MONDO:0008380, OMIM 180200, HP:0009919. Disease mechanism: loss of function. Inheritance: Both sporadic and heritable forms are tested..

Allele frequency attached by ClinVar (database versions not stated): gnomAD exomes below 0.00001; ExAC 0.00001.
gnomAD v4.1: 3 of 1,614,014 alleles (0.00019%); highest among the groups gnomAD compares: Non-Finnish European, 0.00025%; no homozygotes.

Submissions (2):

Myriad Genetics, Inc.
Classification: Likely benign for Retinoblastoma. Last evaluated: 2026-06-22. Review status: criteria provided, single submitter. Criteria: Myriad Autosomal Dominant, Autosomal Recessive and X-Linked Classification Criteria (2023). Collection method: clinical testing. Allele origin: unknown.
Comment: This variant is considered likely benign. This variant is intronic and is not expected to impact mRNA splicing.

Labcorp Genetics (formerly Invitae), Labcorp
Classification: Likely benign for Retinoblastoma. Last evaluated: 2025-11-13. Review status: criteria provided, single submitter. Criteria: Invitae Variant Classification Sherloc (09022015). Collection method: clinical testing. Allele origin: germline.